The following is an entry in ClinVar:

ClinVar aggregate classification (germline): Benign/Likely benign. Review status: criteria provided, multiple submitters, no conflicts (2 of 4 stars). 9 submissions from 9 submitters: Benign (3); Likely benign (6). Last evaluated 2026-01-21.

Conditions:
Inborn genetic diseases. Identifiers: MedGen C0950123, MeSH D030342.
Developmental and epileptic encephalopathy, 18 (DEE18). Also called: Early infantile epileptic encephalopathy 18. Identifiers: Orphanet 369894, MedGen C3809624, MONDO:0014201, OMIM 615476.

Allele frequency attached by ClinVar (database versions not stated): gnomAD exomes 0.00013 and 0.00040; ExAC 0.00047; 1000 Genomes Project 0.00160; gnomAD 0.00162 and 0.00173; 1000 Genomes Project 30x 0.00172; TOPMed 0.00188; ESP Exome Variant Server 0.00231.
gnomAD v4.1: 450 of 1,605,170 alleles (0.028%); highest among the groups gnomAD compares: African/African-American, 0.54%; 2 homozygotes.

Submissions (9):

Labcorp Genetics (formerly Invitae), Labcorp
Classification: Benign. Last evaluated: 2026-01-21. Review status: criteria provided, single submitter. Criteria: Invitae Variant Classification Sherloc (09022015). Collection method: clinical testing. Allele origin: germline.

CeGaT Center for Human Genetics Tuebingen
Classification: Likely benign. Last evaluated: 2024-08-01. Review status: criteria provided, single submitter. Criteria: CeGaT Center For Human Genetics Tuebingen Variant Classification Criteria Version 2. Collection method: clinical testing. Allele origin: germline. Affected: yes. Observed: 2 variant alleles.
Comment: SZT2: BP4, BP7

Blueprint Genetics
Classification: Likely benign. Last evaluated: 2024-07-11. Review status: criteria provided, single submitter. Criteria: ACMG Guidelines, 2015. Collection method: clinical testing. Allele origin: germline.

Genome-Nilou Lab
Classification: Benign for Developmental and epileptic encephalopathy, 18. Last evaluated: 2023-04-11. Review status: criteria provided, single submitter. Criteria: ACMG Guidelines, 2015. Collection method: clinical testing. Allele origin: germline. Affected: no.

GeneDx
Classification: Likely benign. Last evaluated: 2021-01-13. Review status: criteria provided, single submitter. Criteria: GeneDx Variant Classification Process June 2021. Collection method: clinical testing. Allele origin: germline. Affected: yes.

Athena Diagnostics
Classification: Benign. Last evaluated: 2018-09-14. Review status: criteria provided, single submitter. Criteria: Athena Diagnostics Criteria. Collection method: clinical testing. Allele origin: germline.

Genetic Services Laboratory, University of Chicago
Classification: Likely benign. Last evaluated: 2017-11-20. Review status: criteria provided, single submitter. Criteria: ACMG Guidelines, 2015. Collection method: clinical testing. Allele origin: germline. Affected: no.

Ambry Genetics
Classification: Likely benign for Inborn genetic diseases. Last evaluated: 2017-11-02. Review status: criteria provided, single submitter. Criteria: Ambry Variant Classification Scheme 2023. Collection method: clinical testing. Allele origin: germline.

Breakthrough Genomics
Classification: Likely benign. Review status: criteria provided, single submitter. Criteria: ACMG Guidelines, 2015. Collection method: not provided. Allele origin: germline. Inheritance: Autosomal recessive inheritance. Affected: yes.

NM_001365999.1(SZT2):c.7245C>T (p.Ser2415=)

Gene: SZT2 (SZT2 subunit of KICSTOR complex; plus strand). Cytogenetic location: 1p34.2.
Variant type: single nucleotide variant.
Coding change: c.7245C>T on transcript NM_001365999.1 (MANE Select); coding-DNA position 7245, C replaced by T.
Protein change: p.Ser2415=; no amino-acid change (serine 2415 retained).
Molecular consequence: synonymous variant.
Genome position (GRCh38, 1-based): chr1:43,440,487, C>T. VCF-style: chr1-43440487-C-T. GRCh37 (hg19) VCF-style: chr1-43906158-C-T.
Other names: c.7074C>T, p.Ser2358= (NM_015284.4).
Identifiers: ClinVar variation 416974 (VCV000416974.46), dbSNP rs142822908, ClinGen allele CA810165.
Genomic context (GRCh38, chr1:43,440,487, plus strand): 5'-GTGTCTGTAATGTCTGATGTCCACAGGAAGTCTCAGGAACGGATCGTTGGAAACTAAGAG[C>T]TCTGCAGGCCGAGCTAGCACCTTTCCCCCTGCCCCTGTCCCTGGGGAGCCTGTGACTCCA-3'
Protein context (NP_001352928.1, residues 2405-2425): SLRNGSLETK[Ser2415=]SAGRASTFPP